The following is an entry in ClinVar:

NM_000313.4(PROS1):c.728-1G>A

Gene: PROS1 (protein S; minus strand). Cytogenetic location: 3q11.1.
Variant type: single nucleotide variant.
Coding change: c.728-1G>A on transcript NM_000313.4 (MANE Select); the canonical splice acceptor site of the intron before coding-DNA position 728, G replaced by A.
Molecular consequence: splice acceptor variant.
Genome position (GRCh38, 1-based): chr3:93,898,570, C>T on the plus strand (G>A on the coding strand, the complement: PROS1 is on the minus strand). VCF-style: chr3-93898570-C-T. GRCh37 (hg19) VCF-style: chr3-93617414-C-T.
Other names: c.824-1G>A (NM_001314077.2).
Identifiers: ClinVar variation 162509 (VCV000162509.2), dbSNP rs368074804, ClinGen allele CA233399.

ClinVar aggregate classification (germline): Likely pathogenic (1 of 4 stars; one submission).

Conditions:
Thrombophilia due to protein S deficiency, autosomal dominant (THPH5). Identifiers: Orphanet 26349, Orphanet 743, MedGen C3278211, MONDO:0012868, OMIM 612336. Disease mechanism: loss of function.

Allele frequency attached by ClinVar (database versions not stated): ESP Exome Variant Server 0.00008.

Submission:

CSER _CC_NCGL, University of Washington
Classification: Likely pathogenic for Protein S Deficiency. Last evaluated: 2014-06-01. Review status: criteria provided, single submitter. Criteria: Amendola et al. (Genome Res. 2015). Collection method: research. Allele origin: germline. Inheritance: Autosomal dominant inheritance. Study: ESP 6500 variant annotation.
Comment: Variants classified for the Actionable exomic incidental findings in 6503 participants: challenges of variant classification manuscript